The following is an entry in ClinVar:

NM_181789.4(GLDN):c.1305G>A (p.Trp435Ter)

Gene: GLDN (gliomedin; plus strand). Cytogenetic location: 15q21.2.
Variant type: single nucleotide variant.
Coding change: c.1305G>A on transcript NM_181789.4 (MANE Select); coding-DNA position 1305, G replaced by A.
Protein change: p.Trp435Ter; replaces tryptophan 435 with a stop codon.
Molecular consequence: nonsense.
Genome position (GRCh38, 1-based): chr15:51,404,403, G>A. VCF-style: chr15-51404403-G-A. GRCh37 (hg19) VCF-style: chr15-51696600-G-A.
Other names: c.933G>A, p.Trp311Ter (NM_001330297.2); short protein forms W435*, W311*.
Identifiers: ClinVar variation 488521 (VCV000488521.8), dbSNP rs775011495, ClinGen allele CA7560725.

ClinVar aggregate classification (germline): Pathogenic/Likely pathogenic. Review status: criteria provided, multiple submitters, no conflicts (2 of 4 stars). 6 submissions from 5 submitters: Pathogenic (3); Likely pathogenic (2). 1 of the submissions does not count toward it. Last evaluated 2024-11-08.

Conditions:
Lethal congenital contracture syndrome 11 (LCCS11). Identifiers: MedGen C4310670, MONDO:0014965, OMIM 617194.
Inborn genetic diseases. Identifiers: MedGen C0950123, MeSH D030342.
Flexion contracture. Also called: Contracture; Contractures; Flexion deformity. Identifiers: MedGen C0333068, HP:0001371.
Congenital contracture. Also called: Congenital contractures. Identifiers: MedGen C0332878, MONDO:0022823, HP:0002803.
Breathing dysregulation. Also called: breathing difficulty. Identifiers: MedGen C3808046, HP:0005957.
Polyhydramnios. Also called: Polyhydramnios (disease); Hydramnios. Identifiers: MedGen C0020224, MONDO:0004585, HP:0001561.

Allele frequency attached by ClinVar (database versions not stated): gnomAD exomes 0.00001 and 0.00002; gnomAD 0.00001; TOPMed 0.00002; ExAC 0.00003.
gnomAD v4.1: 17 of 1,614,034 alleles (0.0011%); highest among the groups gnomAD compares: Non-Finnish European, 0.0014%; no homozygotes.

Submissions (6):

Ambry Genetics
Classification: Pathogenic for Inborn genetic diseases. Last evaluated: 2024-11-08. Review status: criteria provided, single submitter. Criteria: Ambry Variant Classification Scheme 2023. Collection method: clinical testing. Allele origin: germline.
Comment: The c.1305G>A (p.W435*) alteration, located in exon 10 (coding exon 10) of the GLDN gene, consists of a G to A substitution at nucleotide position 1305. This changes the amino acid from a tryptophan (W) to a stop codon at amino acid position 435. This alteration occurs at the 3' terminus of the GLDN gene, is not expected to trigger nonsense-mediated mRNA decay, and impacts the last 21% of the protein. However, premature stop codons are typically deleterious in nature, the impacted region is critical for protein function, and a significant portion of the protein is affected (Ambry internal data). Based on data from gnomAD, the A allele has an overall frequency of 0.002% (4/251382) total alleles studied. The highest observed frequency was 0.004% (4/113700) of European (non-Finnish) alleles. This variant has been identified in the homozygous state and/or in conjunction with other GLDN variant(s) in individual(s) with features consistent with GLDN-related congenital contracture syndrome (Wambach, 2017). In an assay testing GLDN function, this variant showed a functionally abnormal result (Mis, 2020). Based on the available evidence, this alteration is classified as pathogenic.

Center of Genomic medicine, Geneva, University Hospital of Geneva
Classification: Pathogenic for Lethal congenital contracture syndrome 11. Last evaluated: 2018-01-12. Review status: criteria provided, single submitter. Criteria: ACMG Guidelines, 2015. Collection method: clinical testing. Allele origin: inherited. Affected: yes. Observed: 2 variant alleles.
Comment: This variant was identified in a homozygous state in two newborn babies deceased shortly after birth.

Institute of Human Genetics Munich, TUM University Hospital
Classification: Pathogenic for Lethal congenital contracture syndrome 11. Last evaluated: 2017-12-09. Review status: criteria provided, single submitter. Criteria: Classification criteria August 2017. Collection method: clinical testing. Allele origin: germline. Inheritance: Autosomal recessive inheritance. Affected: yes. Observed: 1 homozygote.

Centre for Mendelian Genomics, University Medical Centre Ljubljana
Classification: Likely pathogenic for Breathing dysregulation; Congenital contracture; Polyhydramnios. Last evaluated: 2017-01-01. Review status: criteria provided, single submitter. Criteria: ACMG Guidelines, 2015. Collection method: clinical testing. Allele origin: unknown. Affected: yes.

Centre for Mendelian Genomics, University Medical Centre Ljubljana
Classification: Likely pathogenic for Flexion contracture. Last evaluated: 2017-01-01. Review status: criteria provided, single submitter. Criteria: ACMG Guidelines, 2015. Collection method: clinical testing. Allele origin: unknown. Affected: yes.

Clinical Genetics Laboratory, University Hospital Schleswig-Holstein
Classification: Pathogenic for Lethal congenital contracture syndrome 11. Last evaluated: 2023-11-29. Review status: no assertion criteria provided. Collection method: clinical testing. Allele origin: biparental. Affected: yes. Not counted in ClinVar's aggregate classification.

Literature cited by the submitters: PubMed 28726266 (cited by Ambry Genetics and Institute of Human Genetics Munich, TUM University Hospital); PubMed 32812332 (cited by Ambry Genetics).